The following is an entry in ClinVar:

NM_001040142.2(SCN2A):c.4551+318del

Gene: SCN2A (sodium voltage-gated channel alpha subunit 2; plus strand). Cytogenetic location: 2q24.3.
Variant type: Deletion.
Coding change: c.4551+318del on transcript NM_001040142.2 (MANE Select); 318 bases into the intron after coding-DNA position 4551, one base deleted (C; older notation c.4551+318delC).
Molecular consequence: intron variant.
Genome position (GRCh38, 1-based): chr2:165,381,515, C deleted. VCF-style (leftmost placement, unchanged base first): chr2-165381514-AC-A. GRCh37 (hg19) VCF-style: chr2-166238024-AC-A.
Other names: c.4551+318del (NM_001040143.2, NM_001371246.1, NM_001371247.1 and 1 more transcripts); c.4551+318delC (NM_021007.2).
Identifiers: ClinVar variation 668832 (VCV000668832.1), dbSNP rs77422519, ClinGen allele CA59747238.

ClinVar aggregate classification (germline): Benign (1 of 4 stars; one submission).

Allele frequency attached by ClinVar (database versions not stated): 1000 Genomes Project 30x 0.19909; TOPMed 0.20170; 1000 Genomes Project 0.20268; gnomAD 0.20303 and 0.20568.

Submission:

GeneDx
Classification: Benign. Last evaluated: 2018-06-18. Review status: criteria provided, single submitter. Criteria: GeneDx Variant Classification (06012015). Collection method: clinical testing. Allele origin: germline. Affected: yes.
Comment: This variant is considered likely benign or benign based on one or more of the following criteria: it is a conservative change, it occurs at a poorly conserved position in the protein, it is predicted to be benign by multiple in silico algorithms, and/or has population frequency not consistent with disease.